The following is an entry in ClinVar:

ClinVar aggregate classification (germline): Likely benign. Review status: criteria provided, multiple submitters, no conflicts (2 of 4 stars). 2 submissions from 2 submitters: Likely benign (2). Last evaluated 2025-12-15.

Conditions:
HNF1B-related disorder. Also called: HNF1B-related condition; HNF1B-related disorders.

Allele frequency attached by ClinVar (database versions not stated): TOPMed below 0.00001.
gnomAD v4.1: 5 of 1,555,096 alleles (0.00032%); highest among the groups gnomAD compares: Non-Finnish European, 0.00044%; no homozygotes.

Submissions (2):

PreventionGenetics, part of Exact Sciences
Classification: Likely benign for HNF1B-related condition. Last evaluated: 2025-12-15. Review status: criteria provided, single submitter. Criteria: ACMG Guidelines, 2015. Collection method: clinical testing. Allele origin: germline.
Comment: This variant is classified as likely benign based on ACMG/AMP sequence variant interpretation guidelines (Richards et al. 2015 PMID: 25741868, with internal and published modifications).

Labcorp Genetics (formerly Invitae), Labcorp
Classification: Likely benign. Last evaluated: 2022-08-20. Review status: criteria provided, single submitter. Criteria: Invitae Variant Classification Sherloc (09022015). Collection method: clinical testing. Allele origin: germline.

NM_000458.4(HNF1B):c.1455C>T (p.Pro485=)

Gene: HNF1B (HNF1 homeobox B; minus strand). Cytogenetic location: 17q12.
Variant type: single nucleotide variant.
Coding change: c.1455C>T on transcript NM_000458.4 (MANE Select); coding-DNA position 1455, C replaced by T.
Protein change: p.Pro485=; no amino-acid change (proline 485 retained).
Molecular consequence: synonymous variant. On other transcripts: intron variant (1).
Genome position (GRCh38, 1-based): chr17:37,701,062, G>A on the plus strand (C>T on the coding strand, the complement: HNF1B is on the minus strand). VCF-style: chr17-37701062-G-A. GRCh37 (hg19) VCF-style: chr17-36061067-G-A.
Other names: c.1455C>T (NM_000458.3); c.1377C>T, p.Pro459= (NM_001165923.4); c.1455C>T, p.Pro485= (NM_001411100.1); c.1261+3855C>T (NM_001304286.2).
Identifiers: ClinVar variation 2179452 (VCV002179452.5), dbSNP rs1471170030, ClinGen allele CA499601797.